The following is an entry in ClinVar:

NM_003719.5(PDE8B):c.181C>A (p.Pro61Thr)

Gene: PDE8B (phosphodiesterase 8B; plus strand). Cytogenetic location: 5q13.3.
Variant type: single nucleotide variant.
Coding change: c.181C>A on transcript NM_003719.5 (MANE Select); coding-DNA position 181, C replaced by A.
Protein change: p.Pro61Thr; replaces proline 61 with threonine.
Molecular consequence: missense variant. On other transcripts: 5 prime UTR variant (1), intron variant (13).
Genome position (GRCh38, 1-based): chr5:77,211,106, C>A. VCF-style: chr5-77211106-C-A. GRCh37 (hg19) VCF-style: chr5-76506931-C-A.
Other names: c.181C>A, p.Pro61Thr (NM_001029851.4, NM_001029852.4, NM_001029853.4 and 7 more transcripts); c.-189C>A (NM_001349753.2); c.36+30620C>A (NM_001349750.3, NM_001376069.1, NM_001376062.1 and 7 more transcripts); c.-34+1060C>A (NM_001376067.1, NM_001376075.1); c.-31+1060C>A (NM_001376068.1); short protein forms P61T.
Identifiers: ClinVar variation 1493885 (VCV001493885.6), dbSNP rs970463499, ClinGen allele CA121449133.

ClinVar aggregate classification (germline): Uncertain significance (1 of 4 stars; one submission).

Allele frequency attached by ClinVar (database versions not stated): gnomAD exomes 0.00002.
gnomAD v4.1: 10 of 1,492,910 alleles (0.00067%); highest among the groups gnomAD compares: Non-Finnish European, 0.00089%; no homozygotes.

Submission:

Labcorp Genetics (formerly Invitae), Labcorp
Classification: Uncertain significance. Last evaluated: 2021-11-24. Review status: criteria provided, single submitter. Criteria: Invitae Variant Classification Sherloc (09022015). Collection method: clinical testing. Allele origin: germline.
Comment: The frequency data for this variant in the population databases is considered unreliable, as metrics indicate poor data quality at this position in the gnomAD database. In summary, the available evidence is currently insufficient to determine the role of this variant in disease. Therefore, it has been classified as a Variant of Uncertain Significance. Algorithms developed to predict the effect of missense changes on protein structure and function (SIFT, PolyPhen-2, Align-GVGD) all suggest that this variant is likely to be tolerated. This variant has not been reported in the literature in individuals affected with PDE8B-related conditions. This sequence change replaces proline, which is neutral and non-polar, with threonine, which is neutral and polar, at codon 61 of the PDE8B protein (p.Pro61Thr).